The following is an entry in ClinVar:

ClinVar aggregate classification (germline): Uncertain significance (1 of 4 stars; one submission).

Conditions:
X-linked syndromic intellectual disability. Also called: Intellectual developmental disorder, X-linked syndromic; X-linked mental retardation, syndromic. Identifiers: MedGen CN228426, MONDO:0020119.

Submission:

GeneDx
Classification: Uncertain significance. Last evaluated: 2024-03-01. Review status: criteria provided, single submitter. Criteria: GeneDx Variant Classification Process June 2021. Collection method: clinical testing. Allele origin: germline. Affected: yes.
Comment: Not observed at significant frequency in large population cohorts (gnomAD); In silico analysis supports that this missense variant does not alter protein structure/function; Has not been previously published as pathogenic or benign to our knowledge

NM_001367721.1(CASK):c.2072A>G (p.Lys691Arg)

Gene: CASK (calcium/calmodulin dependent serine protein kinase; minus strand). Cytogenetic location: Xp11.4.
Variant type: single nucleotide variant.
Coding change: c.2072A>G on transcript NM_001367721.1 (MANE Select); coding-DNA position 2072, A replaced by G.
Protein change: p.Lys691Arg; replaces lysine 691 with arginine.
Molecular consequence: missense variant.
Genome position (GRCh38, 1-based): chrX:41,542,774, T>C on the plus strand (A>G on the coding strand, the complement: CASK is on the minus strand). VCF-style: chrX-41542774-T-C. GRCh37 (hg19) VCF-style: chrX-41402027-T-C.
Other names: c.1985A>G, p.Lys662Arg (NM_001126055.3); c.2054A>G, p.Lys685Arg (NM_001410745.1); c.2072A>G, p.Lys691Arg (NM_003688.4); c.2003A>G, p.Lys668Arg (NM_001126054.3); short protein forms K662R, K668R, K685R, K691R.
Identifiers: ClinVar variation 3373533 (VCV003373533.2).